The following is an entry in ClinVar:

NM_138694.4(PKHD1):c.6808+5G>A

Gene: PKHD1 (PKHD1 ciliary IPT domain containing fibrocystin/polyductin; minus strand). Cytogenetic location: 6p12.2.
Variant type: single nucleotide variant.
Coding change: c.6808+5G>A on transcript NM_138694.4 (MANE Select); 5 bases into the intron after coding-DNA position 6808, G replaced by A.
Molecular consequence: intron variant.
Genome position (GRCh38, 1-based): chr6:51,906,210, C>T on the plus strand (G>A on the coding strand, the complement: PKHD1 is on the minus strand). VCF-style: chr6-51906210-C-T. GRCh37 (hg19) VCF-style: chr6-51771008-C-T.
Other names: c.6808+5G>A (NM_170724.3).
Identifiers: ClinVar variation 3896488 (VCV003896488.2).

ClinVar aggregate classification (germline): Uncertain significance (1 of 4 stars; one submission).

gnomAD v4.1: 4 of 1,610,968 alleles (0.00025%); highest among the groups gnomAD compares: Non-Finnish European, 0.00025%; no homozygotes.

Submission:

Women's Health and Genetics/Laboratory Corporation of America, LabCorp
Classification: Uncertain significance. Last evaluated: 2025-04-04. Review status: criteria provided, single submitter. Criteria: LabCorp Variant Classification Summary - May 2015. Collection method: clinical testing. Allele origin: germline.
Comment: Variant summary: PKHD1 c.6808+5G>A alters a conserved nucleotide located close to a canonical splice site and therefore could affect mRNA splicing, leading to a significantly altered protein sequence. Several computational tools predict a significant impact on normal splicing: Three predict the variant weakens a 5' donor site. However, these predictions have yet to be confirmed by functional studies. The variant allele was found at a frequency of 4e-06 in 250796 control chromosomes. The available data on variant occurrences in the general population are insufficient to allow any conclusion about variant significance. To our knowledge, no occurrence of c.6808+5G>A in individuals affected with Polycystic Kidney And Hepatic Disease and no experimental evidence demonstrating its impact on protein function have been reported. No submitters have cited clinical-significance assessments for this variant to ClinVar. Based on the evidence outlined above, the variant was classified as uncertain significance.